The following is an entry in ClinVar:

NM_024580.6(EFL1):c.1447G>A (p.Asp483Asn)

Gene: EFL1 (elongation factor like GTPase 1; minus strand). Cytogenetic location: 15q25.2.
Variant type: single nucleotide variant.
Coding change: c.1447G>A on transcript NM_024580.6 (MANE Select); coding-DNA position 1447, G replaced by A.
Protein change: p.Asp483Asn; replaces aspartic acid 483 with asparagine.
Molecular consequence: missense variant. On other transcripts: non-coding transcript variant (1).
Genome position (GRCh38, 1-based): chr15:82,219,816, C>T on the plus strand (G>A on the coding strand, the complement: EFL1 is on the minus strand). VCF-style: chr15-82219816-C-T. GRCh37 (hg19) VCF-style: chr15-82512157-C-T.
Other names: c.1294G>A, p.Asp432Asn (NM_001040610.3); c.658G>A, p.Asp220Asn (NM_001322844.2); c.1447G>A, p.Asp483Asn (NM_001322845.2); short protein forms D432N, D483N, D220N.
Identifiers: ClinVar variation 2092752 (VCV002092752.4), dbSNP rs752809733, ClinGen allele CA273468278.

ClinVar aggregate classification (germline): Uncertain significance (1 of 4 stars; one submission).

Allele frequency attached by ClinVar (database versions not stated): gnomAD exomes below 0.00001; TOPMed below 0.00001; gnomAD 0.00001.
gnomAD v4.1: 5 of 1,599,952 alleles (0.00031%); highest among the groups gnomAD compares: Non-Finnish European, 0.00043%; no homozygotes.

Submission:

Labcorp Genetics (formerly Invitae), Labcorp
Classification: Uncertain significance. Last evaluated: 2022-04-12. Review status: criteria provided, single submitter. Criteria: Invitae Variant Classification Sherloc (09022015). Collection method: clinical testing. Allele origin: germline.
Comment: In summary, the available evidence is currently insufficient to determine the role of this variant in disease. Therefore, it has been classified as a Variant of Uncertain Significance. Algorithms developed to predict the effect of missense changes on protein structure and function output the following: SIFT: "Tolerated"; PolyPhen-2: "Benign"; Align-GVGD: "Class C0". The asparagine amino acid residue is found in multiple mammalian species, which suggests that this missense change does not adversely affect protein function. This variant has not been reported in the literature in individuals affected with EFL1-related conditions. This variant is not present in population databases (gnomAD no frequency). This sequence change replaces aspartic acid, which is acidic and polar, with asparagine, which is neutral and polar, at codon 483 of the EFL1 protein (p.Asp483Asn).